The following is an entry in ClinVar:

NM_033109.5(PNPT1):c.1925_1927del (p.Val642del)

Gene: PNPT1 (polyribonucleotide nucleotidyltransferase 1; minus strand). Cytogenetic location: 2p16.1.
Variant type: Deletion.
Coding change: c.1925_1927del on transcript NM_033109.5 (MANE Select); coding-DNA positions 1925 to 1927, 3 bases deleted (TGG; older notation c.1925_1927delTGG).
Protein change: p.Val642del; deletes valine 642.
Molecular consequence: inframe deletion.
Genome position (GRCh38, 1-based): chr2:55,643,405-55,643,407, CCA deleted on the plus strand (TGG on the coding strand, the reverse complement: PNPT1 is on the minus strand); deleting any 3 consecutive bases within chr2:55,643,405-55,643,409 gives the same sequence; the c. name uses the placement nearest the transcript's 3' end. VCF-style (leftmost placement, unchanged base first): chr2-55643404-TCCA-T. GRCh37 (hg19) VCF-style: chr2-55870539-TCCA-T.
Other names: c.1925_1927delTGG (NM_033109.4); short protein forms V642del.
Identifiers: ClinVar variation 805221 (VCV000805221.10), dbSNP rs1572796197, ClinGen allele CA915943998.

ClinVar aggregate classification (germline): Conflicting classifications of pathogenicity. Review status: criteria provided, conflicting classifications (1 of 4 stars). 4 submissions from 4 submitters: Likely pathogenic (1); Uncertain significance (3). Last evaluated 2026-01-15.

Conditions:
PNPT1-related disorder. Also called: PNPT1-related condition; PNPT1-related disorders.
Autosomal recessive nonsyndromic hearing loss 70. Also called: Deafness, autosomal recessive 70. Identifiers: Orphanet 90636, MedGen C1824925, MONDO:0013978, OMIM 614934.

Submissions (4):

Labcorp Genetics (formerly Invitae), Labcorp
Classification: Likely pathogenic. Last evaluated: 2026-01-15. Review status: criteria provided, single submitter. Criteria: Invitae Variant Classification Sherloc (09022015). Collection method: clinical testing. Allele origin: germline.
Comment: This variant, c.1925_1927del, results in the deletion of 1 amino acid(s) of the PNPT1 protein (p.Val642del), but otherwise preserves the integrity of the reading frame. This variant is not present in population databases (gnomAD no frequency). This variant has been observed in individuals with clinical features of PNPT1-related conditions (external communication, internal data). It has also been observed to segregate with disease in related individuals. ClinVar contains an entry for this variant (Variation ID: 805221). Experimental studies and prediction algorithms are not available or were not evaluated, and the functional significance of this variant is currently unknown. In summary, the currently available evidence indicates that the variant is pathogenic, but additional data are needed to prove that conclusively. Therefore, this variant has been classified as Likely Pathogenic.

PreventionGenetics, part of Exact Sciences
Classification: Uncertain significance for PNPT1-related condition. Last evaluated: 2024-11-12. Review status: criteria provided, single submitter. Criteria: ACMG Guidelines, 2015. Collection method: clinical testing. Allele origin: germline.
Comment: The PNPT1 c.1925_1927delTGG variant is predicted to result in an in-frame deletion (p.Val642del). To our knowledge, this variant has not been reported in the literature or in a large population database (gnomAD), indicating this variant is rare. At this time, the clinical significance of this variant is uncertain due to the absence of conclusive functional and genetic evidence.

Athena Diagnostics
Classification: Uncertain significance. Last evaluated: 2019-05-16. Review status: criteria provided, single submitter. Criteria: Athena Diagnostics Criteria. Collection method: clinical testing. Allele origin: germline.

Baylor Genetics
Classification: Uncertain significance for Autosomal recessive nonsyndromic hearing loss 70. Last evaluated: 2019-03-29. Review status: criteria provided, single submitter. Criteria: ACMG Guidelines, 2015. Collection method: clinical testing. Allele origin: maternal. Affected: yes.
Comment: This variant was determined to be of uncertain significance according to ACMG Guidelines, 2015 [PMID:25741868].